The following is an entry in ClinVar:

ClinVar aggregate classification (germline): Uncertain significance (1 of 4 stars; one submission).

Conditions:
Familial sleep-related hypermotor epilepsy. Also called: Autosomal Dominant Sleep-Related Hypermotor (Hyperkinetic) Epilepsy. Identifiers: Orphanet 98784, MedGen C3696898, MONDO:0000030.

Allele frequency attached by ClinVar (database versions not stated): gnomAD exomes below 0.00001.

Submission:

Labcorp Genetics (formerly Invitae), Labcorp
Classification: Uncertain significance. Last evaluated: 2021-03-03. Review status: criteria provided, single submitter. Criteria: Invitae Variant Classification Sherloc (09022015). Collection method: clinical testing. Allele origin: germline.
Comment: In summary, the available evidence is currently insufficient to determine the role of this variant in disease. Therefore, it has been classified as a Variant of Uncertain Significance. This variant has not been reported in the literature in individuals with CHRNA4-related conditions. This variant is not present in population databases (ExAC no frequency). This sequence change creates a premature translational stop signal (p.Trp88*) in the CHRNA4 gene. It is expected to result in an absent or disrupted protein product. However, the current clinical and genetic evidence is not sufficient to establish whether loss-of-function variants in CHRNA4 cause disease.

NM_000744.7(CHRNA4):c.264G>A (p.Trp88Ter)

Genes: CHRNA4 (cholinergic receptor nicotinic alpha 4 subunit; minus strand), LOC126863087 (P300/CBP strongly-dependent group 1 enhancer GRCh37_chr20:61986832-61988031; plus strand). Cytogenetic location: 20q13.33.
Variant type: single nucleotide variant.
Coding change: c.264G>A on transcript NM_000744.7 (MANE Select); coding-DNA position 264, G replaced by A.
Protein change: p.Trp88Ter; replaces tryptophan 88 with a stop codon.
Molecular consequence: nonsense. On other transcripts: 5 prime UTR variant (1), non-coding transcript variant (1).
Genome position (GRCh38, 1-based): chr20:63,356,380, C>T on the plus strand (G>A on the coding strand, the complement: CHRNA4 is on the minus strand). VCF-style: chr20-63356380-C-T. GRCh37 (hg19) VCF-style: chr20-61987732-C-T.
Other names: c.-283G>A (NM_001256573.2); short protein forms W88*.
Identifiers: ClinVar variation 1514420 (VCV001514420.6), dbSNP rs2145401994, ClinGen allele CA409641446.